The following is an entry in ClinVar:

NM_000245.4(MET):c.3353T>C (p.Ile1118Thr)

Gene: MET (MET proto-oncogene, receptor tyrosine kinase; plus strand). Cytogenetic location: 7q31.2.
Variant type: single nucleotide variant.
Coding change: c.3353T>C on transcript NM_000245.4 (MANE Select); coding-DNA position 3353, T replaced by C.
Protein change: p.Ile1118Thr; replaces isoleucine 1118 with threonine.
Molecular consequence: missense variant.
Genome position (GRCh38, 1-based): chr7:116,778,788, T>C. VCF-style: chr7-116778788-T-C. GRCh37 (hg19) VCF-style: chr7-116418842-T-C.
Other names: c.3407T>C, p.Ile1136Thr (NM_001127500.3); c.2063T>C, p.Ile688Thr (NM_001324402.2); short protein forms I1118T, I1136T, I688T.
Identifiers: ClinVar variation 951099 (VCV000951099.10), dbSNP rs1795065976, ClinGen allele CA368989969.
Genomic context (GRCh38, chr7:116,778,788, plus strand): 5'-TTCACTGTTCCATAATGAAGTTAATGTCTCCACCACTGGATTTCTCAGGAATCACTGACA[T>C]AGGAGAAGTTTCCCAATTTCTGACCGAGGGAATCATCATGAAAGATTTTAGTCATCCCAA-3'
Protein context (NP_000236.2, residues 1108-1128): AVKSLNRITD[Ile1118Thr]GEVSQFLTEG

ClinVar aggregate classification (germline): Uncertain significance. Review status: criteria provided, multiple submitters, no conflicts (2 of 4 stars). 2 submissions from 2 submitters: Uncertain significance (2). Last evaluated 2026-07-24.

Conditions:
Hereditary cancer-predisposing syndrome. Also called: Neoplastic Syndromes, Hereditary; Hereditary Cancer Syndrome; Tumor predisposition; Hereditary neoplastic syndrome. Identifiers: Orphanet 140162, MedGen C0027672, MeSH D009386, MONDO:0015356.
Renal cell carcinoma. Identifiers: Orphanet 217071, MedGen C0007134, MeSH D002292, MONDO:0005086, HP:0005584.

Submissions (2):

Ambry Genetics
Classification: Uncertain significance for Hereditary cancer-predisposing syndrome. Last evaluated: 2026-07-24. Review status: criteria provided, single submitter. Criteria: Ambry Variant Classification Scheme 2023. Collection method: clinical testing. Allele origin: germline.
Comment: The p.I1136T variant (also known as c.3407T>C), located in coding exon 16 of the MET gene, results from a T to C substitution at nucleotide position 3407. The isoleucine at codon 1136 is replaced by threonine, an amino acid with similar properties. This amino acid position is not well conserved in available vertebrate species. In addition, the in silico prediction for this alteration is inconclusive. Based on the available evidence, the clinical significance of this variant remains unclear.

Labcorp Genetics (formerly Invitae), Labcorp
Classification: Uncertain significance for Renal cell carcinoma. Last evaluated: 2019-05-12. Review status: criteria provided, single submitter. Criteria: Invitae Variant Classification Sherloc (09022015). Collection method: clinical testing. Allele origin: germline.
Comment: In summary, the available evidence is currently insufficient to determine the role of this variant in disease. Therefore, it has been classified as a Variant of Uncertain Significance. Algorithms developed to predict the effect of missense changes on protein structure and function (SIFT, PolyPhen-2, Align-GVGD) all suggest that this variant is likely to be disruptive, but these predictions have not been confirmed by published functional studies and their clinical significance is uncertain. This variant has not been reported in the literature in individuals with MET-related conditions. This variant is not present in population databases (ExAC no frequency). This sequence change replaces isoleucine with threonine at codon 1136 of the MET protein (p.Ile1136Thr). The isoleucine residue is highly conserved and there is a moderate physicochemical difference between isoleucine and threonine.